The following is an entry in ClinVar:

ClinVar aggregate classification (germline): Uncertain significance. Review status: criteria provided, multiple submitters, no conflicts (2 of 4 stars). 2 submissions from 2 submitters: Uncertain significance (2). Last evaluated 2025-06-01.

Allele frequency attached by ClinVar (database versions not stated): gnomAD 0.00001; ESP Exome Variant Server 0.00008.
gnomAD v4.1: 35 of 1,613,236 alleles (0.0022%); highest among the groups gnomAD compares: African/African-American, 0.004%; no homozygotes.

Submissions (2):

Labcorp Genetics (formerly Invitae), Labcorp
Classification: Uncertain significance. Last evaluated: 2025-06-01. Review status: criteria provided, single submitter. Criteria: Invitae Variant Classification Sherloc (09022015). Collection method: clinical testing. Allele origin: germline.
Comment: This sequence change replaces leucine, which is neutral and non-polar, with arginine, which is basic and polar, at codon 1115 of the USH2A protein (p.Leu1115Arg). This variant is present in population databases (rs151122789, gnomAD 0.002%). This variant has not been reported in the literature in individuals affected with USH2A-related conditions. ClinVar contains an entry for this variant (Variation ID: 2156339). Invitae Evidence Modeling of protein sequence and biophysical properties (such as structural, functional, and spatial information, amino acid conservation, physicochemical variation, residue mobility, and thermodynamic stability) indicates that this missense variant is expected to disrupt USH2A protein function with a positive predictive value of 95%. In summary, the available evidence is currently insufficient to determine the role of this variant in disease. Therefore, it has been classified as a Variant of Uncertain Significance.

Blueprint Genetics
Classification: Uncertain significance. Last evaluated: 2022-09-06. Review status: criteria provided, single submitter. Criteria: ACMG Guidelines, 2015. Collection method: clinical testing. Allele origin: germline.

NM_206933.4(USH2A):c.3344T>G (p.Leu1115Arg)

Genes: USH2A (usherin; minus strand), USH2A-AS1 (USH2A antisense RNA 1; plus strand). Cytogenetic location: 1q41.
Variant type: single nucleotide variant.
Coding change: c.3344T>G on transcript NM_206933.4 (MANE Select); coding-DNA position 3344, T replaced by G.
Protein change: p.Leu1115Arg; replaces leucine 1115 with arginine.
Molecular consequence: missense variant.
Genome position (GRCh38, 1-based): chr1:216,200,094, A>C on the plus strand (T>G on the coding strand, the complement: USH2A is on the minus strand). VCF-style: chr1-216200094-A-C. GRCh37 (hg19) VCF-style: chr1-216373436-A-C.
Other names: c.3344T>G, p.Leu1115Arg (NM_007123.6); short protein forms L1115R.
Identifiers: ClinVar variation 2156339 (VCV002156339.3), dbSNP rs151122789, ClinGen allele CA37505095.